The following is an entry in ClinVar:

NM_001039660.2(IL18BP):c.29-3C>G

Gene: IL18BP (interleukin 18 binding protein; plus strand). Cytogenetic location: 11q13.4.
Variant type: single nucleotide variant.
Coding change: c.29-3C>G on transcript NM_001039660.2 (MANE Select); 3 bases into the intron before coding-DNA position 29, C replaced by G.
Molecular consequence: intron variant.
Genome position (GRCh38, 1-based): chr11:72,000,348, C>G. VCF-style: chr11-72000348-C-G. GRCh37 (hg19) VCF-style: chr11-71711394-C-G.
Other names: c.29-3C>G (NM_001039659.2, NM_173044.3, NM_005699.3 and 3 more transcripts).
Identifiers: ClinVar variation 2810842 (VCV002810842.3), dbSNP rs2495826556, ClinGen allele CA2614905761.

ClinVar aggregate classification (germline): Uncertain significance (1 of 4 stars; one submission).

Allele frequency attached by ClinVar (database versions not stated): gnomAD exomes below 0.00001.
gnomAD v4.1: 1 of 1,613,390 alleles (0.000062%); highest among the groups gnomAD compares: Non-Finnish European, 0.000085%; no homozygotes.

Submission:

Labcorp Genetics (formerly Invitae), Labcorp
Classification: Uncertain significance. Last evaluated: 2022-10-30. Review status: criteria provided, single submitter. Criteria: Invitae Variant Classification Sherloc (09022015). Collection method: clinical testing. Allele origin: germline.
Comment: In summary, the available evidence is currently insufficient to determine the role of this variant in disease. Therefore, it has been classified as a Variant of Uncertain Significance. Variants that disrupt the consensus splice site are a relatively common cause of aberrant splicing (PMID: 17576681, 9536098). This variant has not been reported in the literature in individuals affected with IL18BP-related conditions. This variant is not present in population databases (gnomAD no frequency). This sequence change falls in intron 1 of the IL18BP gene. It does not directly change the encoded amino acid sequence of the IL18BP protein. It affects a nucleotide within the consensus splice site.

Literature cited by the submitters: PubMed 17576681; PubMed 9536098.